The following is an entry in ClinVar:

ClinVar aggregate classification (germline): Conflicting classifications of pathogenicity. Review status: criteria provided, conflicting classifications (1 of 4 stars). 4 submissions from 4 submitters: Likely pathogenic (2); Uncertain significance (2). Last evaluated 2025-11-05.

Conditions:
CFTR-related disorder (CFTR-RD). Also called: CFTR-related disorders; CFTR-related condition. Identifiers: MedGen C5924204, MONDO:7770004.
Bronchiectasis with or without elevated sweat chloride 1 (BESC1). Also called: Cystic Fibrosis-Like Syndrome. Identifiers: Orphanet 60033, MedGen C2749757, MONDO:0008887, OMIM 211400.
Hereditary pancreatitis (PCTT). Also called: Hereditary chronic pancreatitis; PRSS1-Related Hereditary Pancreatitis. Identifiers: Orphanet 676, MedGen C0238339, MONDO:0008185, OMIM 167800.
Cystic fibrosis (CF). Also called: MUCOVISCIDOSIS. Identifiers: Orphanet 586, MedGen C0010674, MONDO:0009061, OMIM 219700. Disease mechanism: loss of function.
Congenital bilateral aplasia of vas deferens from CFTR mutation (CBAVD). Identifiers: Orphanet 48, MedGen C0403814, MONDO:0010178, OMIM 277180. Disease mechanism: loss of function.

gnomAD v4.1: 3 of 1,613,342 alleles (0.00019%); highest among the groups gnomAD compares: Non-Finnish European, 0.00017%; no homozygotes.

Submissions (4):

Labcorp Genetics (formerly Invitae), Labcorp
Classification: Uncertain significance for Cystic fibrosis. Last evaluated: 2025-11-05. Review status: criteria provided, single submitter. Criteria: Invitae Variant Classification Sherloc (09022015). Collection method: clinical testing. Allele origin: germline.
Comment: This sequence change replaces proline, which is neutral and non-polar, with leucine, which is neutral and non-polar, at codon 205 of the CFTR protein (p.Pro205Leu). This variant is present in population databases (rs397508769, gnomAD 0.0009%). This variant has not been reported in the literature in individuals affected with CFTR-related conditions. ClinVar contains an entry for this variant (Variation ID: 3339570). Invitae Evidence Modeling of protein sequence and biophysical properties (such as structural, functional, and spatial information, amino acid conservation, physicochemical variation, residue mobility, and thermodynamic stability) indicates that this missense variant is expected to disrupt CFTR protein function with a positive predictive value of 80%. This variant disrupts the p.Pro205 amino acid residue in CFTR. Other variant(s) that disrupt this residue have been determined to be pathogenic (PMID: 7505694, 21097845, 25363320). This suggests that this residue is clinically significant, and that variants that disrupt this residue are likely to be disease-causing. In summary, the available evidence is currently insufficient to determine the role of this variant in disease. Therefore, it has been classified as a Variant of Uncertain Significance.

Natera, Inc.
Classification: Likely pathogenic for CFTR-related disorders. Last evaluated: 2025-03-24. Review status: criteria provided, single submitter. Criteria: Natera Variant Classification Schema (03/2026). Collection method: clinical testing. Allele origin: germline.
Comment: The c.614C>T variant in CFTR is a missense variant predicted to cause substitution of proline to leucine at amino acid 205. This variant is rare in the general population with a frequency below the threshold expected for the associated phenotype(s). Functional studies show that this variant may disrupt protein function (PMID: 38388235). A different variant at the same position has been determined to be Pathogenic or Likely Pathogenic. Computational prediction algorithms indicate this variant is likely to affect gene or protein function. Given the available evidence, this variant is classified as Likely Pathogenic.

Fulgent Genetics
Classification: Likely pathogenic for Hereditary pancreatitis; Bronchiectasis with or without elevated sweat chloride 1; Cystic fibrosis; Congenital bilateral aplasia of vas deferens from CFTR mutation. Last evaluated: 2024-06-13. Review status: criteria provided, single submitter. Criteria: ACMG Guidelines, 2015. Collection method: clinical testing. Allele origin: germline.

Women's Health and Genetics/Laboratory Corporation of America, LabCorp
Classification: Uncertain significance. Last evaluated: 2024-06-12. Review status: criteria provided, single submitter. Criteria: LabCorp Variant Classification Summary - May 2015. Collection method: clinical testing. Allele origin: germline.
Comment: Variant summary: CFTR c.614C>T (p.Pro205Leu) results in a non-conservative amino acid change located in the ABC transporter type 1, transmembrane domain (IPR011527) of the encoded protein sequence. Four of five in-silico tools predict a damaging effect of the variant on protein function. The variant allele was found at a frequency of 4e-06 in 251440 control chromosomes. The available data on variant occurrences in the general population are insufficient to allow any conclusion about variant significance. To our knowledge, no occurrence of c.614C>T in individuals affected with Cystic Fibrosis and no experimental evidence demonstrating its impact on protein function have been reported. No submitters have cited clinical-significance assessments for this variant to ClinVar. Based on the evidence outlined above, the variant was classified as uncertain significance.

Literature cited by the submitters: PubMed 7505694 (cited by Labcorp Genetics (formerly Invitae), Labcorp); PubMed 21097845 (cited by Labcorp Genetics (formerly Invitae), Labcorp); PubMed 25363320 (cited by Labcorp Genetics (formerly Invitae), Labcorp); PubMed 38388235 (cited by Natera, Inc.).

NM_000492.4(CFTR):c.614C>T (p.Pro205Leu)

Gene: CFTR (CF transmembrane conductance regulator; plus strand). Cytogenetic location: 7q31.2.
Variant type: single nucleotide variant.
Coding change: c.614C>T on transcript NM_000492.4 (MANE Select); coding-DNA position 614, C replaced by T.
Protein change: p.Pro205Leu; replaces proline 205 with leucine.
Molecular consequence: missense variant.
Genome position (GRCh38, 1-based): chr7:117,535,282, C>T. VCF-style: chr7-117535282-C-T. GRCh37 (hg19) VCF-style: chr7-117175336-C-T.
Other names: short protein forms P205L.
Identifiers: ClinVar variation 3339570 (VCV003339570.5).